The following is an entry in ClinVar:

ClinVar aggregate classification (germline): Pathogenic/Likely pathogenic. Review status: criteria provided, multiple submitters, no conflicts (2 of 4 stars). 5 submissions from 4 submitters: Pathogenic (2); Likely pathogenic (1). 2 of the submissions do not count toward it. Last evaluated 2023-07-24.

Conditions:
Neurodevelopmental disorder with hearing loss and spasticity. Identifiers: Orphanet 659975, MedGen C5562024, MONDO:0859206, OMIM 619616.
Hearing loss, autosomal recessive 119. Also called: DEAFNESS, AUTOSOMAL RECESSIVE 119. Identifiers: MedGen C5562023, MONDO:0030480, OMIM 619615.

Allele frequency attached by ClinVar (database versions not stated): gnomAD 0.00011.
gnomAD v4.1: 114 of 1,611,914 alleles (0.0071%); highest among the groups gnomAD compares: Admixed American, 0.0017%; no homozygotes.

Submissions (5):

Department of Pathology and Laboratory Medicine, Sinai Health System
Classification: Pathogenic for hearing loss, autosomal recessive 119. Last evaluated: 2023-07-24. Review status: criteria provided, single submitter. Criteria: ACMG Guidelines, 2015. Collection method: research. Allele origin: germline.

Labcorp Genetics (formerly Invitae), Labcorp
Classification: Pathogenic. Last evaluated: 2022-07-25. Review status: criteria provided, single submitter. Criteria: Invitae Variant Classification Sherloc (09022015). Collection method: clinical testing. Allele origin: germline.
Comment: This sequence change replaces isoleucine, which is neutral and non-polar, with methionine, which is neutral and non-polar, at codon 466 of the SPATA5L1 protein (p.Ile466Met). For these reasons, this variant has been classified as Pathogenic. Algorithms developed to predict the effect of missense changes on protein structure and function are either unavailable or do not agree on the potential impact of this missense change (SIFT: "Deleterious"; PolyPhen-2: "Probably Damaging"; Align-GVGD: "Class C0"). ClinVar contains an entry for this variant (Variation ID: 1275860). This missense change has been observed in individuals with SPATA5L1-related conditions (PMID: 34626583). It has also been observed to segregate with disease in related individuals. This variant is present in population databases (rs34675173, gnomAD 0.3%).

GeneDx
Classification: Likely pathogenic. Last evaluated: 2021-09-13. Review status: criteria provided, single submitter. Criteria: GeneDx Variant Classification Process June 2021. Collection method: clinical testing. Allele origin: germline. Affected: yes.
Comment: In silico analysis supports that this missense variant has a deleterious effect on protein structure/function

OMIM
Classification: Pathogenic for DEAFNESS, AUTOSOMAL RECESSIVE 119. Last evaluated: 2024-06-11. Review status: no assertion criteria provided. Collection method: literature only. Allele origin: germline. Not counted in ClinVar's aggregate classification.

OMIM
Classification: Pathogenic for NEURODEVELOPMENTAL DISORDER WITH HEARING LOSS AND SPASTICITY. Last evaluated: 2024-06-11. Review status: no assertion criteria provided. Collection method: literature only. Allele origin: germline. Not counted in ClinVar's aggregate classification.

Literature cited by the submitters: PubMed 34626583 (cited by Labcorp Genetics (formerly Invitae), Labcorp and OMIM).

NM_024063.3(AFG2B):c.1398T>G (p.Ile466Met)

Gene: AFG2B (AAA ATPase AFG2B; plus strand). Cytogenetic location: 15q21.1.
Variant type: single nucleotide variant.
Coding change: c.1398T>G on transcript NM_024063.3 (MANE Select); coding-DNA position 1398, T replaced by G.
Protein change: p.Ile466Met; replaces isoleucine 466 with methionine.
Molecular consequence: missense variant. On other transcripts: non-coding transcript variant (5).
Genome position (GRCh38, 1-based): chr15:45,410,494, T>G. VCF-style: chr15-45410494-T-G. GRCh37 (hg19) VCF-style: chr15-45702692-T-G.
Other names: c.1398T>G, p.Ile466Met (NM_001323640.2); short protein forms I466M.
Identifiers: ClinVar variation 1275860 (VCV001275860.24), dbSNP rs34675173, ClinGen allele CA7543396.